The following is an entry in ClinVar:

NM_006612.6(KIF1C):c.2220C>G (p.Arg740=)

Gene: KIF1C (kinesin family member 1C; plus strand). Cytogenetic location: 17p13.2.
Variant type: single nucleotide variant.
Coding change: c.2220C>G on transcript NM_006612.6 (MANE Select); coding-DNA position 2220, C replaced by G.
Protein change: p.Arg740=; no amino-acid change (arginine 740 retained).
Molecular consequence: synonymous variant.
Genome position (GRCh38, 1-based): chr17:5,022,301, C>G. VCF-style: chr17-5022301-C-G. GRCh37 (hg19) VCF-style: chr17-4925596-C-G.
Identifiers: ClinVar variation 3257041 (VCV003257041.19).
Genomic context (GRCh38, chr17:5,022,301, plus strand): 5'-GGCCCCTCGCAGGGTTTATCAGATCCCCCAGCGACGCAGGCTGCAGGGCAAAGACCCCCG[C>G]TGGGCCACCATGGCTGACCTGAAGATGCAGGCGGTGAAGGAGATCTGCTACGAGGTGGCC-3'
Protein context (NP_006603.2, residues 730-750): QRRRLQGKDP[Arg740=]WATMADLKMQ

ClinVar aggregate classification (germline): Likely benign. Review status: criteria provided, multiple submitters, no conflicts (2 of 4 stars). 2 submissions from 2 submitters: Likely benign (2). Last evaluated 2024-10-28.

Conditions:
Spastic ataxia 2. Also called: Ataxia, spastic, 2, autosomal recessive. Identifiers: Orphanet 397946, MedGen C1969796, MONDO:0012651, OMIM 611302.

gnomAD v4.1: 18 of 1,611,872 alleles (0.0011%); highest among the groups gnomAD compares: East Asian, 0.016%; no homozygotes.

Submissions (2):

Labcorp Genetics (formerly Invitae), Labcorp
Classification: Likely benign for Spastic ataxia 2. Last evaluated: 2024-10-28. Review status: criteria provided, single submitter. Criteria: Invitae Variant Classification Sherloc (09022015). Collection method: clinical testing. Allele origin: germline.

CeGaT Center for Human Genetics Tuebingen
Classification: Likely benign. Last evaluated: 2024-07-01. Review status: criteria provided, single submitter. Criteria: CeGaT Center For Human Genetics Tuebingen Variant Classification Criteria Version 2. Collection method: clinical testing. Allele origin: germline. Affected: yes. Observed: 1 variant allele.
Comment: KIF1C: BP4, BP7